The following is an entry in ClinVar:

ClinVar aggregate classification (germline): Likely benign. Review status: criteria provided, multiple submitters, no conflicts (2 of 4 stars). 2 submissions from 2 submitters: Likely benign (2). Last evaluated 2025-07-09.

Conditions:
ADAMTS13-related disorder. Also called: ADAMTS13-related condition.

Allele frequency attached by ClinVar (database versions not stated): gnomAD exomes below 0.00001; gnomAD 0.00001; TOPMed 0.00001; ESP Exome Variant Server 0.00008.
gnomAD v4.1: 3 of 1,613,778 alleles (0.00019%); highest among the groups gnomAD compares: African/African-American, 0.004%; no homozygotes.

Submissions (2):

PreventionGenetics, part of Exact Sciences
Classification: Likely benign for ADAMTS13-related condition. Last evaluated: 2025-07-09. Review status: criteria provided, single submitter. Criteria: ACMG Guidelines, 2015. Collection method: clinical testing. Allele origin: germline.
Comment: This variant is classified as likely benign based on ACMG/AMP sequence variant interpretation guidelines (Richards et al. 2015 PMID: 25741868, with internal and published modifications).

Labcorp Genetics (formerly Invitae), Labcorp
Classification: Likely benign. Last evaluated: 2023-09-07. Review status: criteria provided, single submitter. Criteria: Invitae Variant Classification Sherloc (09022015). Collection method: clinical testing. Allele origin: germline.

NM_139027.6(ADAMTS13):c.1787-9C>T

Gene: ADAMTS13 (ADAM metallopeptidase with thrombospondin type 1 motif 13; plus strand). Cytogenetic location: 9q34.2.
Variant type: single nucleotide variant.
Coding change: c.1787-9C>T on transcript NM_139027.6 (MANE Select); 9 bases into the intron before coding-DNA position 1787, C replaced by T.
Molecular consequence: intron variant.
Genome position (GRCh38, 1-based): chr9:133,440,335, C>T. VCF-style: chr9-133440335-C-T. GRCh37 (hg19) VCF-style: chr9-136305456-C-T.
Other names: c.1787-9C>T (NM_139025.4, NM_139025.5); c.1694-9C>T (NM_139026.6).
Identifiers: ClinVar variation 2898177 (VCV002898177.4), dbSNP rs375820562, ClinGen allele CA200932193.